The following is an entry in ClinVar:

ClinVar aggregate classification (germline): Uncertain significance. Review status: criteria provided, multiple submitters, no conflicts (2 of 4 stars). 2 submissions from 2 submitters: Uncertain significance (2). Last evaluated 2022-08-16.

Conditions:
Epidermolysis bullosa simplex 5B, with muscular dystrophy (EBS5B). Also called: Epidermolysis bullosa simplex with muscular dystrophy; EPIDERMOLYSIS BULLOSA SIMPLEX AND LIMB-GIRDLE MUSCULAR DYSTROPHY. Identifiers: Orphanet 257, MedGen C2931072, MONDO:0009181, OMIM 226670.
Autosomal recessive limb-girdle muscular dystrophy type 2Q (LGMDR17). Also called: MUSCULAR DYSTROPHY, LIMB-GIRDLE, AUTOSOMAL RECESSIVE 17. Identifiers: Orphanet 254361, MedGen C3150989, MONDO:0013390, OMIM 613723.
Epidermolysis bullosa simplex with nail dystrophy (EBS5D). Identifiers: MedGen C4225309, MONDO:0014661, OMIM 616487.
Epidermolysis bullosa simplex 5C, with pyloric atresia (EBS5C). Also called: PLEC-Related Epidermolysis Bullosa with Pyloric Atresia; Epidermolysis bullosa simplex with pyloric atresia; PLEC1-Related Epidermolysis Bullosa with Pyloric Atresia. Identifiers: Orphanet 158684, MedGen C2677349, MONDO:0012807, OMIM 612138.
Epidermolysis bullosa simplex, Ogna type (EBS5A). Also called: Pidermolysis bullosa simplex 5A, Ogna type; EPIDERMOLYSIS BULLOSA SIMPLEX 5A, OGNA TYPE. Identifiers: Orphanet 79401, MedGen C0432317, MONDO:0007555, OMIM 131950.
Junctional epidermolysis bullosa with pyloric atresia. Also called: APLASIA CUTIS CONGENITA WITH GASTROINTESTINAL ATRESIA; CARMI SYNDROME; EB-PA-ACC; Junctional Epidermolysis Bullosa- Pyloric Atresia Syndrome; EPIDERMOLYSIS BULLOSA, JUNCTIONAL 5B, WITH PYLORIC ATRESIA; ITGB4-Related Epidermolysis Bullosa with Pyloric Atresia. Identifiers: Orphanet 79403, MedGen C5676875, MONDO:0009183, OMIM 226730.

Allele frequency attached by ClinVar (database versions not stated): gnomAD exomes 0.00001 and 0.00002; TOPMed 0.00002; ExAC 0.00003.
gnomAD v4.1: 19 of 1,611,446 alleles (0.0012%); highest among the groups gnomAD compares: East Asian, 0.0022%; no homozygotes.

Submissions (2):

Labcorp Genetics (formerly Invitae), Labcorp
Classification: Uncertain significance for Autosomal recessive limb-girdle muscular dystrophy type 2Q; Epidermolysis bullosa simplex, Ogna type; Epidermolysis bullosa simplex with nail dystrophy; Epidermolysis bullosa simplex 5C, with pyloric atresia; Epidermolysis bullosa simplex 5B, with muscular dystrophy. Last evaluated: 2022-08-16. Review status: criteria provided, single submitter. Criteria: Invitae Variant Classification Sherloc (09022015). Collection method: clinical testing. Allele origin: germline.
Comment: This sequence change replaces glycine, which is neutral and non-polar, with serine, which is neutral and polar, at codon 3608 of the PLEC protein (p.Gly3608Ser). This variant is present in population databases (rs782459958, gnomAD 0.002%). This variant has not been reported in the literature in individuals affected with PLEC-related conditions. ClinVar contains an entry for this variant (Variation ID: 965583). Algorithms developed to predict the effect of missense changes on protein structure and function output the following: SIFT: "Tolerated"; PolyPhen-2: "Benign"; Align-GVGD: "Class C0". The serine amino acid residue is found in multiple mammalian species, which suggests that this missense change does not adversely affect protein function. In summary, the available evidence is currently insufficient to determine the role of this variant in disease. Therefore, it has been classified as a Variant of Uncertain Significance.

Fulgent Genetics
Classification: Uncertain significance for Epidermolysis bullosa simplex, Ogna type; Epidermolysis bullosa simplex 5B, with muscular dystrophy; Junctional epidermolysis bullosa with pyloric atresia; Epidermolysis bullosa simplex 5C, with pyloric atresia; Autosomal recessive limb-girdle muscular dystrophy type 2Q; Epidermolysis bullosa simplex with nail dystrophy. Last evaluated: 2022-02-01. Review status: criteria provided, single submitter. Criteria: ACMG Guidelines, 2015. Collection method: clinical testing. Allele origin: unknown.

NM_201384.3(PLEC):c.10741G>A (p.Gly3581Ser)

Gene: PLEC (plectin; minus strand). Cytogenetic location: 8q24.3.
Variant type: single nucleotide variant.
Coding change: c.10741G>A on transcript NM_201384.3 (MANE Select); coding-DNA position 10741, G replaced by A.
Protein change: p.Gly3581Ser; replaces glycine 3581 with serine.
Molecular consequence: missense variant.
Genome position (GRCh38, 1-based): chr8:143,919,080, C>T on the plus strand (G>A on the coding strand, the complement: PLEC is on the minus strand). VCF-style: chr8-143919080-C-T. GRCh37 (hg19) VCF-style: chr8-144993248-C-T.
Other names: c.10822G>A, p.Gly3608Ser (NM_000445.5); c.10699G>A, p.Gly3567Ser (NM_201378.4); c.10675G>A, p.Gly3559Ser (NM_201379.3); c.11152G>A, p.Gly3718Ser (NM_201380.4); c.10645G>A, p.Gly3549Ser (NM_201381.3); c.10741G>A, p.Gly3581Ser (NM_201382.4); c.10753G>A, p.Gly3585Ser (NM_201383.3); short protein forms G3559S, G3567S, G3585S, G3608S, G3549S, G3718S, G3581S.
Identifiers: ClinVar variation 965583 (VCV000965583.9), dbSNP rs782459958, ClinGen allele CA4924544.
Genomic context (GRCh38, chr8:143,919,080, plus strand): 5'-GCTGCTCCTCGGGGATCAGGTCCGACTGCATCACCTCCCACAGGGACATGGTGGAGCCGC[C>T]GTGGCTGCCGCCGCCGGGAATGTCGATCTGTGTCTCTTCAAATGCCCTTCTTGTCTCCTC-3'
Protein context (NP_958786.1, residues 3571-3591): QIDIPGGGSH[Gly3581Ser]GSTMSLWEVM